The following is an entry in ClinVar:

ClinVar aggregate classification (germline): Uncertain significance (1 of 4 stars; one submission).

Submission:

Labcorp Genetics (formerly Invitae), Labcorp
Classification: Uncertain significance. Last evaluated: 2022-07-06. Review status: criteria provided, single submitter. Criteria: Invitae Variant Classification Sherloc (09022015). Collection method: clinical testing. Allele origin: germline.
Comment: ClinVar contains an entry for this variant (Variation ID: 1002054). This variant has not been reported in the literature in individuals affected with COL9A1-related conditions. This variant is not present in population databases (gnomAD no frequency). This sequence change replaces alanine, which is neutral and non-polar, with serine, which is neutral and polar, at codon 324 of the COL9A1 protein (p.Ala324Ser). In summary, the available evidence is currently insufficient to determine the role of this variant in disease. Therefore, it has been classified as a Variant of Uncertain Significance. Advanced modeling of protein sequence and biophysical properties (such as structural, functional, and spatial information, amino acid conservation, physicochemical variation, residue mobility, and thermodynamic stability) performed at Invitae indicates that this missense variant is not expected to disrupt COL9A1 protein function.

NM_001851.6(COL9A1):c.970G>T (p.Ala324Ser)

Gene: COL9A1 (collagen type IX alpha 1 chain; minus strand). Cytogenetic location: 6q13.
Variant type: single nucleotide variant.
Coding change: c.970G>T on transcript NM_001851.6 (MANE Select); coding-DNA position 970, G replaced by T.
Protein change: p.Ala324Ser; replaces alanine 324 with serine.
Molecular consequence: missense variant. On other transcripts: non-coding transcript variant (1).
Genome position (GRCh38, 1-based): chr6:70,280,817, C>A on the plus strand (G>T on the coding strand, the complement: COL9A1 is on the minus strand). VCF-style: chr6-70280817-C-A. GRCh37 (hg19) VCF-style: chr6-70990520-C-A.
Other names: c.241G>T, p.Ala81Ser (NM_001377289.1, NM_001377290.1, NM_078485.4); c.970G>T, p.Ala324Ser (NM_001377291.1); short protein forms A324S, A81S.
Identifiers: ClinVar variation 1002054 (VCV001002054.8), dbSNP rs1286307073, ClinGen allele CA364665707.
Genomic context (GRCh38, chr6:70,280,817, plus strand): 5'-CTCGTACCCACCACACACCCCAGGCTGGGCGCCCTCCCAGCACTCGCCTACTCACATCAG[C>A]GCCAGGTGTGCCAGGCTTGCCTGGAGCTCCTGGCTTTCCCGGTTCACCTGCAGGACCCTG-3'
Protein context (NP_001842.3, residues 314-334): GAPGKPGTPG[Ala324Ser]DGLTGPDGSP